The following is an entry in ClinVar:

NM_016333.4(SRRM2):c.3246A>G (p.Glu1082=)

Gene: SRRM2 (serine/arginine repetitive matrix 2; plus strand). Cytogenetic location: 16p13.3.
Variant type: single nucleotide variant.
Coding change: c.3246A>G on transcript NM_016333.4 (MANE Select); coding-DNA position 3246, A replaced by G.
Protein change: p.Glu1082=; no amino-acid change (glutamic acid 1082 retained).
Molecular consequence: synonymous variant.
Genome position (GRCh38, 1-based): chr16:2,763,774, A>G. VCF-style: chr16-2763774-A-G. GRCh37 (hg19) VCF-style: chr16-2813775-A-G.
Identifiers: ClinVar variation 732432 (VCV000732432.28), dbSNP rs148557286, ClinGen allele CA7847849.

ClinVar aggregate classification (germline): Likely benign. Review status: criteria provided, multiple submitters, no conflicts (2 of 4 stars). 3 submissions from 3 submitters: Likely benign (3). Last evaluated 2022-11-01.

Allele frequency attached by ClinVar (database versions not stated): TOPMed 0.00012; gnomAD 0.00013 and 0.00014; ESP Exome Variant Server 0.00015; ExAC 0.00023; gnomAD exomes 0.00026.

Submissions (3):

CeGaT Center for Human Genetics Tuebingen
Classification: Likely benign. Last evaluated: 2022-11-01. Review status: criteria provided, single submitter. Criteria: CeGaT Center For Human Genetics Tuebingen Variant Classification Criteria Version 2. Collection method: clinical testing. Allele origin: germline. Affected: yes. Observed: 1 variant allele.
Comment: SRRM2: BP4, BP7

Labcorp Genetics (formerly Invitae), Labcorp
Classification: Likely benign. Last evaluated: 2018-01-11. Review status: criteria provided, single submitter. Criteria: Invitae Variant Classification Sherloc (09022015). Collection method: clinical testing. Allele origin: germline.

Breakthrough Genomics
Classification: Likely benign. Review status: criteria provided, single submitter. Criteria: ACMG Guidelines, 2015. Collection method: not provided. Allele origin: germline. Inheritance: Unknown mechanism. Affected: yes.